The following is an entry in ClinVar:

NM_000102.4(CYP17A1):c.715C>T (p.Arg239Ter)

Genes: CYP17A1 (cytochrome P450 family 17 subfamily A member 1; minus strand), CYP17A1-AS1 (CYP17A1 antisense RNA 1; plus strand). Cytogenetic location: 10q24.32.
Variant type: single nucleotide variant.
Coding change: c.715C>T on transcript NM_000102.4 (MANE Select); coding-DNA position 715, C replaced by T.
Protein change: p.Arg239Ter; replaces arginine 239 with a stop codon.
Molecular consequence: nonsense.
Genome position (GRCh38, 1-based): chr10:102,834,074, G>A on the plus strand (C>T on the coding strand, the complement: CYP17A1 is on the minus strand). VCF-style: chr10-102834074-G-A. GRCh37 (hg19) VCF-style: chr10-104593831-G-A.
Other names: short protein forms R239*.
Identifiers: ClinVar variation 1782 (VCV000001782.19), dbSNP rs104894136, ClinGen allele CA115180.
Genomic context (GRCh38, chr10:102,834,074, plus strand): 5'-TCTCTTCTGCTCTATCACCTACCTTGTAATTTTCAAGTATTTTATTCAGCAGATCATTTC[G>A]TATTTTAACATGGCTCTTTAATTTTTCCAGGGTTTTGTTGGGGAAAATCTGGGAAATAAA-3'

ClinVar aggregate classification (germline): Pathogenic. Review status: criteria provided, multiple submitters, no conflicts (2 of 4 stars). 5 submissions from 4 submitters: Pathogenic (2). 3 of the submissions do not count toward it. Last evaluated 2025-09-17.

Conditions:
Deficiency of steroid 17-alpha-monooxygenase. Also called: Congenital adrenal hyperplasia due to 17-alpha-hydroxylase deficiency; Congenital adrenal hyperplasia type 5; 17-ALPHA-HYDROXYLASE DEFICIENCY; 17-alpha-hydroxylase/17,20-lyase deficiency; ADRENAL HYPERPLASIA V. Identifiers: Orphanet 90793, MedGen C0268285, MONDO:0008730, OMIM 202110.
Breast cancer, susceptibility to. Identifiers: MedGen C3469522. Disease mechanism: gain of function.
17-alpha-hydroxylase/17,20-lyase deficiency, combined partial. Identifiers: MedGen C4017190, MONDO:0800380.

Allele frequency attached by ClinVar (database versions not stated): TOPMed 0.00001.

Submissions (5):

GeneDx
Classification: Pathogenic. Last evaluated: 2025-09-17. Review status: criteria provided, single submitter. Criteria: GeneDx Variant Classification Process June 2021. Collection method: clinical testing. Allele origin: germline. Affected: yes.
Comment: Published functional studies demonstrate a damaging effect with complete loss of 17 a-hydroxylase and 17,20-lyase activity (PMID: 26845730); Nonsense variant predicted to result in protein truncation or nonsense mediated decay in a gene for which loss of function is a known mechanism of disease; Not observed at significant frequency in large population cohorts (gnomAD); This variant is associated with the following publications: (PMID: 25525159, 23036723, 16121340, 24485502, 29345162, 35178494, 1740503, 40136637, 22309630, 26845730)

Labcorp Genetics (formerly Invitae), Labcorp
Classification: Pathogenic. Last evaluated: 2023-08-02. Review status: criteria provided, single submitter. Criteria: Invitae Variant Classification Sherloc (09022015). Collection method: clinical testing. Allele origin: germline.
Comment: For these reasons, this variant has been classified as Pathogenic. ClinVar contains an entry for this variant (Variation ID: 1782). This premature translational stop signal has been observed in individuals with CYP17A1-related condition (PMID: 1740503, 22309630, 26845730, 29345162). This variant is not present in population databases (gnomAD no frequency). This sequence change creates a premature translational stop signal (p.Arg239*) in the CYP17A1 gene. It is expected to result in an absent or disrupted protein product. Loss-of-function variants in CYP17A1 are known to be pathogenic (PMID: 10720067, 14747197, 17192295, 20197673, 24140098).

Natera, Inc.
Classification: Pathogenic for Deficiency of steroid 17-alpha-monooxygenase. Last evaluated: 2020-09-15. Review status: no assertion criteria provided. Collection method: clinical testing. Allele origin: germline. Not counted in ClinVar's aggregate classification.

OMIM
Classification: Pathogenic for 17-ALPHA-HYDROXYLASE/17,20-LYASE DEFICIENCY, COMBINED PARTIAL. Last evaluated: 2005-10-01. Review status: no assertion criteria provided. Collection method: literature only. Allele origin: germline. Not counted in ClinVar's aggregate classification.

OMIM
Classification: risk factor for BREAST CANCER, SUSCEPTIBILITY TO. Last evaluated: 2005-10-01. Review status: no assertion criteria provided. Collection method: literature only. Allele origin: germline. Not counted in ClinVar's aggregate classification.

Literature cited by the submitters: PubMed 1740503 (cited by Labcorp Genetics (formerly Invitae), Labcorp and OMIM); PubMed 22309630 (cited by Labcorp Genetics (formerly Invitae), Labcorp); PubMed 26845730 (cited by Labcorp Genetics (formerly Invitae), Labcorp); PubMed 29345162 (cited by Labcorp Genetics (formerly Invitae), Labcorp); PubMed 10720067 (cited by Labcorp Genetics (formerly Invitae), Labcorp); PubMed 14747197 (cited by Labcorp Genetics (formerly Invitae), Labcorp); PubMed 17192295 (cited by Labcorp Genetics (formerly Invitae), Labcorp); PubMed 20197673 (cited by Labcorp Genetics (formerly Invitae), Labcorp); PubMed 24140098 (cited by Labcorp Genetics (formerly Invitae), Labcorp); PubMed 16121340 (cited by OMIM).